The following is an entry in ClinVar:

ClinVar aggregate classification (germline): Uncertain significance (1 of 4 stars; one submission).

Conditions:
Neuropathy, hereditary motor and sensory, type 6B (HMSN6B). Also called: HMSN VIB; CHARCOT-MARIE-TOOTH DISEASE, TYPE 6B; NEUROPATHY, HEREDITARY MOTOR AND SENSORY, TYPE VIB, WITH OPTIC ATROPHY; Neuropathy, hereditary motor and sensory, type VIB. Identifiers: MedGen C4225302, MONDO:0014671, OMIM 616505.

Allele frequency attached by ClinVar (database versions not stated): gnomAD 0.00001.
gnomAD v4.1: 1 of 1,610,768 alleles (0.000062%); highest among the groups gnomAD compares: African/African-American, 0.0013%; no homozygotes.

Submission:

Labcorp Genetics (formerly Invitae), Labcorp
Classification: Uncertain significance for Neuropathy, hereditary motor and sensory, type 6B. Last evaluated: 2022-04-04. Review status: criteria provided, single submitter. Criteria: Invitae Variant Classification Sherloc (09022015). Collection method: clinical testing. Allele origin: germline.
Comment: In summary, the available evidence is currently insufficient to determine the role of this variant in disease. Therefore, it has been classified as a Variant of Uncertain Significance. Algorithms developed to predict the effect of missense changes on protein structure and function (SIFT, PolyPhen-2, Align-GVGD) all suggest that this variant is likely to be tolerated. This variant has not been reported in the literature in individuals affected with SLC25A46-related conditions. This variant is not present in population databases (gnomAD no frequency). This sequence change replaces serine, which is neutral and polar, with proline, which is neutral and non-polar, at codon 411 of the SLC25A46 protein (p.Ser411Pro).

NM_138773.4(SLC25A46):c.1231T>C (p.Ser411Pro)

Gene: SLC25A46 (solute carrier family 25 member 46; plus strand). Cytogenetic location: 5q22.1.
Variant type: single nucleotide variant.
Coding change: c.1231T>C on transcript NM_138773.4 (MANE Select); coding-DNA position 1231, T replaced by C.
Protein change: p.Ser411Pro; replaces serine 411 with proline.
Molecular consequence: missense variant. On other transcripts: non-coding transcript variant (1).
Genome position (GRCh38, 1-based): chr5:110,761,756, T>C. VCF-style: chr5-110761756-T-C. GRCh37 (hg19) VCF-style: chr5-110097456-T-C.
Other names: c.988T>C, p.Ser330Pro (NM_001303249.3); c.958T>C, p.Ser320Pro (NM_001303250.3); short protein forms S411P, S320P, S330P.
Identifiers: ClinVar variation 2194321 (VCV002194321.4), dbSNP rs1800258365, ClinGen allele CA360697900.
Genomic context (GRCh38, chr5:110,761,756, plus strand): 5'-GCTGTTATAATACAGTACACACTGCATGCAGCTGTTTTACAGATTACCAAAATTATTTAC[T>C]CTACACTTCTTCAAAATAACATTTGAGATTTAGGTTCCTTCACTGAGTAGTCTGGAAGAT-3'
Protein context (NP_620128.1, residues 401-418): AVLQITKIIY[Ser411Pro]TLLQNNI